The following is an entry in ClinVar:

ClinVar aggregate classification (germline): Pathogenic/Likely pathogenic. Review status: criteria provided, multiple submitters, no conflicts (2 of 4 stars). 5 submissions from 5 submitters: Pathogenic (1); Likely pathogenic (3). 1 of the submissions does not count toward it. Last evaluated 2026-03-30.

Conditions:
VHL-related disorder. Also called: VHL-related condition.
Hereditary cancer-predisposing syndrome. Also called: Tumor predisposition; Neoplastic Syndromes, Hereditary; Hereditary neoplastic syndrome; Hereditary Cancer Syndrome. Identifiers: Orphanet 140162, MedGen C0027672, MeSH D009386, MONDO:0015356.
Chuvash polycythemia. Also called: POLYCYTHEMIA, VHL-DEPENDENT. Identifiers: Orphanet 238557, MedGen C1837915, MONDO:0009892, OMIM 263400.
Von Hippel-Lindau syndrome (VHLS). Also called: VHL syndrome; Von Hippel-Lindau; von Hippel–Lindau syndrome. Identifiers: Orphanet 892, MedGen C0019562, MONDO:0008667, OMIM 193300. Disease mechanism: loss of function.

Submissions (5):

Ambry Genetics
Classification: Likely pathogenic for Hereditary cancer-predisposing syndrome. Last evaluated: 2026-03-30. Review status: criteria provided, single submitter. Criteria: Ambry Variant Classification Scheme 2023. Collection method: clinical testing. Allele origin: germline.
Comment: The p.S80G variant (also known as c.238A>G), located in coding exon 1 of the VHL gene, results from an A to G substitution at nucleotide position 238. The serine at codon 80 is replaced by glycine, an amino acid with similar properties. This variant was reported in individuals with features consistent with von Hippel-Lindau syndrome; in at least one individual, it was determined to be de novo (Woodward ER et al. Hum Mol Genet, 1997 Jul;6:1051-6; Assadi F et al. Am J Kidney Dis, 2003 Jan;41:E3; Buffet A et al. Horm Metab Res, 2012 May;44:359-66; Pczkowska M et al. Eur J Endocrinol, 2017 Feb;176:143-157; Krauss T et al. Endocr Relat Cancer, 2018 Sep;25:783-793; Pasternak-Pietrzak K et al. J Clin Res Pediatr Endocrinol, 2024 Sep; Nurkhabinov T et al. Biomedicines, 2026 Feb;14; Ambry internal data). This amino acid position is well conserved in available vertebrate species. In addition, this alteration is predicted to be deleterious by in silico analysis. Based on the majority of available evidence to date, this variant is likely to be pathogenic.

Molecular Pathology, Peter Maccallum Cancer Centre
Classification: Likely pathogenic for Von Hippel-Lindau syndrome. Last evaluated: 2024-05-21. Review status: criteria provided, single submitter. Criteria: ACMG Guidelines, 2015. Collection method: clinical testing. Allele origin: germline. Inheritance: Autosomal dominant inheritance.

Blueprint Genetics
Classification: Likely pathogenic for VHL-related disorders. Last evaluated: 2022-06-03. Review status: criteria provided, single submitter. Criteria: ACMG Guidelines, 2015. Collection method: clinical testing. Allele origin: germline. Affected: yes. Observed: 1 variant allele.

Labcorp Genetics (formerly Invitae), Labcorp
Classification: Pathogenic for Von Hippel-Lindau syndrome; Chuvash polycythemia. Last evaluated: 2022-04-08. Review status: criteria provided, single submitter. Criteria: Invitae Variant Classification Sherloc (09022015). Collection method: clinical testing. Allele origin: germline.
Comment: For these reasons, this variant has been classified as Pathogenic. This variant disrupts the p.Ser80 amino acid residue in VHL. Other variant(s) that disrupt this residue have been observed in individuals with VHL-related conditions (PMID: 8707293, 27527340), which suggests that this may be a clinically significant amino acid residue. Advanced modeling of protein sequence and biophysical properties (such as structural, functional, and spatial information, amino acid conservation, physicochemical variation, residue mobility, and thermodynamic stability) performed at Invitae indicates that this missense variant is expected to disrupt VHL protein function. ClinVar contains an entry for this variant (Variation ID: 186220). This missense change has been observed in individual(s) with pheochromocytomas (PMID: 9215674, 12500216; Invitae). In at least one individual the variant was observed to be de novo. This variant is not present in population databases (gnomAD no frequency). This sequence change replaces serine, which is neutral and polar, with glycine, which is neutral and non-polar, at codon 80 of the VHL protein (p.Ser80Gly).

Clinical Genomics Labs, University Health Network
Classification: Likely pathogenic for Von Hippel-Lindau syndrome. Last evaluated: 2021-08-04. Review status: no assertion criteria provided. Criteria: ACMG Guidelines, 2015. Collection method: clinical testing. Allele origin: germline. Affected: yes. Not counted in ClinVar's aggregate classification.

Literature cited by the submitters: PubMed 12500216 (cited by Ambry Genetics and Labcorp Genetics (formerly Invitae), Labcorp); PubMed 22517557 (cited by Ambry Genetics); PubMed 27913608 (cited by Ambry Genetics); PubMed 29748190 (cited by Ambry Genetics); PubMed 38969834 (cited by Ambry Genetics); PubMed 39311599 (cited by Ambry Genetics); PubMed 41751294 (cited by Ambry Genetics); PubMed 9215674 (cited by Ambry Genetics and Labcorp Genetics (formerly Invitae), Labcorp); PubMed 8707293 (cited by Labcorp Genetics (formerly Invitae), Labcorp); PubMed 27527340 (cited by Labcorp Genetics (formerly Invitae), Labcorp).

NM_000551.4(VHL):c.238A>G (p.Ser80Gly)

Gene: VHL (von Hippel-Lindau tumor suppressor; plus strand). Cytogenetic location: 3p25.3.
Variant type: single nucleotide variant.
Coding change: c.238A>G on transcript NM_000551.4 (MANE Select); coding-DNA position 238, A replaced by G.
Protein change: p.Ser80Gly; replaces serine 80 with glycine.
Molecular consequence: missense variant.
Genome position (GRCh38, 1-based): chr3:10,142,085, A>G. VCF-style: chr3-10142085-A-G. GRCh37 (hg19) VCF-style: chr3-10183769-A-G.
Other names: c.238A>G, p.Ser80Gly (NM_001354723.2, NM_198156.3); short protein forms S80G.
Identifiers: ClinVar variation 186220 (VCV000186220.18), dbSNP rs786202787, ClinGen allele CA020142.
Genomic context (GRCh38, chr3:10,142,085, plus strand): 5'-CGGCCCGTGCTGCGCTCGGTGAACTCGCGCGAGCCCTCCCAGGTCATCTTCTGCAATCGC[A>G]GTCCGCGCGTCGTGCTGCCCGTATGGCTCAACTTCGACGGCGAGCCGCAGCCCTACCCAA-3'
Protein context (NP_000542.1, residues 70-90): EPSQVIFCNR[Ser80Gly]PRVVLPVWLN